The following is an entry in ClinVar:

ClinVar aggregate classification (germline): Uncertain significance. Review status: criteria provided, multiple submitters, no conflicts (2 of 4 stars). 3 submissions from 3 submitters: Uncertain significance (3). Last evaluated 2025-03-23.

Conditions:
Bethlem myopathy 1A. Also called: MYOPATHY, BENIGN CONGENITAL, WITH CONTRACTURES; Bethlem myopathy 1; Bethlem Muscular Dystrophy. Identifiers: Orphanet 610, MedGen CN029274, MONDO:0024530, OMIM 158810.

gnomAD v4.1: 23 of 1,614,072 alleles (0.0014%); highest among the groups gnomAD compares: Non-Finnish European, 0.0018%; no homozygotes.

Submissions (3):

Revvity Omics, Revvity
Classification: Uncertain significance. Last evaluated: 2025-03-23. Review status: criteria provided, single submitter. Criteria: ACMG Guidelines, 2015. Collection method: clinical testing. Allele origin: germline.

Labcorp Genetics (formerly Invitae), Labcorp
Classification: Uncertain significance for Bethlem myopathy 1A. Last evaluated: 2024-02-20. Review status: criteria provided, single submitter. Criteria: Invitae Variant Classification Sherloc (09022015). Collection method: clinical testing. Allele origin: germline.
Comment: This sequence change replaces valine, which is neutral and non-polar, with methionine, which is neutral and non-polar, at codon 1625 of the COL6A3 protein (p.Val1625Met). This variant is present in population databases (rs398124121, gnomAD 0.002%). This variant has not been reported in the literature in individuals affected with COL6A3-related conditions. ClinVar contains an entry for this variant (Variation ID: 94940). Advanced modeling of protein sequence and biophysical properties (such as structural, functional, and spatial information, amino acid conservation, physicochemical variation, residue mobility, and thermodynamic stability) performed at Invitae indicates that this missense variant is not expected to disrupt COL6A3 protein function with a negative predictive value of 95%. In summary, the available evidence is currently insufficient to determine the role of this variant in disease. Therefore, it has been classified as a Variant of Uncertain Significance.

Eurofins Ntd Llc (ga)
Classification: Uncertain significance. Last evaluated: 2012-11-05. Review status: criteria provided, single submitter. Criteria: EGL Classification Definitions 2015. Collection method: clinical testing. Allele origin: germline. Observed: 1 variant allele, 1 heterozygote.

NM_004369.4(COL6A3):c.4873G>A (p.Val1625Met)

Gene: COL6A3 (collagen type VI alpha 3 chain; minus strand). Cytogenetic location: 2q37.3.
Variant type: single nucleotide variant.
Coding change: c.4873G>A on transcript NM_004369.4 (MANE Select); coding-DNA position 4873, G replaced by A.
Protein change: p.Val1625Met; replaces valine 1625 with methionine.
Molecular consequence: missense variant.
Genome position (GRCh38, 1-based): chr2:237,368,590, C>T on the plus strand (G>A on the coding strand, the complement: COL6A3 is on the minus strand). VCF-style: chr2-237368590-C-T. GRCh37 (hg19) VCF-style: chr2-238277233-C-T.
Other names: c.3052G>A, p.Val1018Met (NM_057166.5); c.4255G>A, p.Val1419Met (NM_057167.4); short protein forms V1018M, V1419M.
Identifiers: ClinVar variation 94940 (VCV000094940.16), dbSNP rs398124121, ClinGen allele CA222614.